The following is an entry in ClinVar:

NM_000035.4(ALDOB):c.*567C>T

Gene: ALDOB (aldolase, fructose-bisphosphate B; minus strand). Cytogenetic location: 9q31.1.
Variant type: single nucleotide variant.
Coding change: c.*567C>T on transcript NM_000035.4 (MANE Select); 567 bases downstream of the stop codon, C replaced by T.
Molecular consequence: 3 prime UTR variant.
Genome position (GRCh38, 1-based): chr9:101,421,242, G>A on the plus strand (C>T on the coding strand, the complement: ALDOB is on the minus strand). VCF-style: chr9-101421242-G-A. GRCh37 (hg19) VCF-style: chr9-104183524-G-A.
Other names: c.*567C>T (LRG_1244t1).
Identifiers: ClinVar variation 364297 (VCV000364297.5), dbSNP rs540272117, ClinGen allele CA10628612.

ClinVar aggregate classification (germline): Likely benign (1 of 4 stars; one submission).

Conditions:
Hereditary fructosuria. Also called: Fructose intolerance; ALDOB DEFICIENCY; ALDOLASE B DEFICIENCY; FRUCTOSE-1,6-BISPHOSPHATE ALDOLASE B DEFICIENCY; FRUCTOSE-1-PHOSPHATE ALDOLASE DEFICIENCY; FRUCTOSEMIA. Identifiers: Orphanet 469, MedGen C0016751, MONDO:0009249, OMIM 229600, HP:0005973. Disease mechanism: loss of function.

Allele frequency attached by ClinVar (database versions not stated): TOPMed 0.00008; gnomAD 0.00011 and 0.00012; gnomAD exomes 0.00011; 1000 Genomes Project 0.00060; 1000 Genomes Project 30x 0.00078.
gnomAD v4.1: 18 of 161,358 alleles (0.011%); highest among the groups gnomAD compares: African/African-American, 0.024%; no homozygotes.

Submission:

Illumina Laboratory Services, Illumina
Classification: Likely benign for Hereditary fructosuria. Last evaluated: 2018-01-13. Review status: criteria provided, single submitter. Criteria: ICSL Variant Classification Criteria 13 December 2019. Collection method: clinical testing. Allele origin: germline.
Comment: This variant was observed in the ICSL laboratory as part of a predisposition screen in an ostensibly healthy population. It had not been previously curated by ICSL or reported in the Human Gene Mutation Database (HGMD: prior to June 1st, 2018), and was therefore a candidate for classification through an automated scoring system. Utilizing variant allele frequency, disease prevalence and penetrance estimates, and inheritance mode, an automated score was calculated to assess if this variant is too frequent to cause the disease. Based on the score and internal cut-off values, a variant classified as likely benign is not then subjected to further curation. The score for this variant resulted in a classification of likely benign for this disease.